The following is an entry in ClinVar:

NM_177438.3(DICER1):c.4300del (p.Glu1434fs)

Gene: DICER1 (dicer 1, ribonuclease III; minus strand). Cytogenetic location: 14q32.13.
Variant type: Deletion.
Coding change: c.4300del on transcript NM_177438.3 (MANE Select); coding-DNA position 4300, one base deleted (G; older notation c.4300delG).
Protein change: p.Glu1434fs; shifts the reading frame from glutamic acid 1434.
Molecular consequence: frameshift variant. On other transcripts: non-coding transcript variant (6).
Genome position (GRCh38, 1-based): chr14:95,096,620, C deleted on the plus strand (G on the coding strand, the reverse complement: DICER1 is on the minus strand); the first of 2 consecutive C bases (chr14:95,096,620-95,096,621); deleting either gives the same sequence. VCF-style (leftmost placement, unchanged base first): chr14-95096619-TC-T. GRCh37 (hg19) VCF-style: chr14-95562956-TC-T.
Other names: c.4300del, p.Glu1434fs (NM_001395680.1, NM_001395682.1, NM_001395683.1 and 12 more transcripts); c.4018del, p.Glu1340fs (NM_001395686.1); c.3895del, p.Glu1299fs (NM_001395687.1, NM_001395688.1, NM_001395689.1 and 2 more transcripts); c.3733del, p.Glu1245fs (NM_001395691.1); c.2617del, p.Glu873fs (NM_001395697.1); c.4300delG (NM_177438.2); short protein forms E1245fs, E1340fs, E1434fs, E1299fs, E873fs.
Identifiers: ClinVar variation 4637402 (VCV004637402.1).
Genomic context (GRCh38, chr14:95,096,619, plus strand): 5'-TCTATAAATCTGATATGTTCCTGATCATACTCCAGGAAATCATCTTCATAGTCAGCCTCT[TC>T]CTTCGGAGCCCTCCACATCAGGCTCTCCTCCTCCTCATCCTCCTCCTCGTAATCCTCATC-3'

ClinVar aggregate classification (germline): Pathogenic (1 of 4 stars; one submission).

Conditions:
Hereditary cancer-predisposing syndrome. Also called: Neoplastic Syndromes, Hereditary; Tumor predisposition; Hereditary Cancer Syndrome; Hereditary neoplastic syndrome. Identifiers: Orphanet 140162, MedGen C0027672, MeSH D009386, MONDO:0015356.

Submission:

Ambry Genetics
Classification: Pathogenic for Hereditary cancer-predisposing syndrome. Last evaluated: 2025-11-05. Review status: criteria provided, single submitter. Criteria: Ambry Variant Classification Scheme 2023. Collection method: clinical testing. Allele origin: germline.
Comment: The c.4300delG pathogenic mutation, located in coding exon 22 of the DICER1 gene, results from a deletion of one nucleotide at nucleotide position 4300, causing a translational frameshift with a predicted alternate stop codon (p.E1434Kfs*20). This variant was reported in individual(s) with features consistent with DICER1-related tumor predisposition syndrome (Ambry internal data). This variant is considered to be rare based on population cohorts in the Genome Aggregation Database (gnomAD). This alteration is expected to result in loss of function by premature protein truncation or nonsense-mediated mRNA decay. As such, this alteration is interpreted as a disease-causing mutation.